The following is an entry in ClinVar:

NM_206926.2(SELENON):c.308C>T (p.Thr103Ile)

Gene: SELENON (selenoprotein N; plus strand). Cytogenetic location: 1p36.11.
Variant type: single nucleotide variant.
Coding change: c.308C>T on transcript NM_206926.2 (MANE Select); coding-DNA position 308, C replaced by T.
Protein change: p.Thr103Ile; replaces threonine 103 with isoleucine.
Molecular consequence: missense variant.
Genome position (GRCh38, 1-based): chr1:25,805,148, C>T. VCF-style: chr1-25805148-C-T. GRCh37 (hg19) VCF-style: chr1-26131639-C-T.
Other names: c.410C>T, p.Thr137Ile (NM_020451.3); short protein forms T103I, T137I.
Identifiers: ClinVar variation 971703 (VCV000971703.10), dbSNP rs2047894839, ClinGen allele CA339109792.

ClinVar aggregate classification (germline): Uncertain significance (1 of 4 stars; one submission).

Conditions:
Eichsfeld type congenital muscular dystrophy (CMYO3). Also called: Rigid spine muscular dystrophy 1; MYOPATHY, SEPN1-RELATED; SELENON-related myopathy; Congenital myopathy 3 with rigid spine. Identifiers: MedGen C0410180, MONDO:0100100, OMIM 602771.

Allele frequency attached by ClinVar (database versions not stated): TOPMed below 0.00001.

Submission:

Labcorp Genetics (formerly Invitae), Labcorp
Classification: Uncertain significance for Eichsfeld type congenital muscular dystrophy. Last evaluated: 2022-08-09. Review status: criteria provided, single submitter. Criteria: Invitae Variant Classification Sherloc (09022015). Collection method: clinical testing. Allele origin: germline.
Comment: In summary, the available evidence is currently insufficient to determine the role of this variant in disease. Therefore, it has been classified as a Variant of Uncertain Significance. Algorithms developed to predict the effect of missense changes on protein structure and function (SIFT, PolyPhen-2, Align-GVGD) all suggest that this variant is likely to be tolerated. ClinVar contains an entry for this variant (Variation ID: 971703). This variant has not been reported in the literature in individuals affected with SELENON-related conditions. This variant is not present in population databases (gnomAD no frequency). This sequence change replaces threonine, which is neutral and polar, with isoleucine, which is neutral and non-polar, at codon 137 of the SELENON protein (p.Thr137Ile).